The following is an entry in ClinVar:

ClinVar aggregate classification (germline): Pathogenic (1 of 4 stars; one submission).

Conditions:
Breast-ovarian cancer, familial, susceptibility to, 4. Identifiers: Orphanet 145, MedGen C3280345, MONDO:0013669, OMIM 614291.

Submission:

Labcorp Genetics (formerly Invitae), Labcorp
Classification: Pathogenic for Breast-ovarian cancer, familial 4. Last evaluated: 2019-06-16. Review status: criteria provided, single submitter. Criteria: Invitae Variant Classification Sherloc (09022015). Collection method: clinical testing. Allele origin: germline.
Comment: A gross deletion of the genomic region encompassing the full coding sequence of the RAD51D gene has been identified. The boundaries of this event are unknown as the deletion extends beyond the assayed region for this gene and therefore may encompass additional genes. This variant has not been reported in the literature in individuals with RAD51D-related conditions. Loss-of-function variants in RAD51D are known to be pathogenic (PMID: 21822267). For these reasons, this variant has been classified as Pathogenic.

NC_000017.11:g.(?_35100943)_(35119623_?)del

Gene: RAD51D (RAD51 paralog D; minus strand). Cytogenetic location: 17q12.
Variant type: Deletion.
Identifiers: ClinVar variation 833042 (VCV000833042.1).